The following is an entry in ClinVar:

ClinVar aggregate classification (germline): Conflicting classifications of pathogenicity. Review status: criteria provided, conflicting classifications (1 of 4 stars). 5 submissions from 5 submitters: Uncertain significance (4); Benign (1). Last evaluated 2025-10-06.

Conditions:
Hereditary cancer-predisposing syndrome. Also called: Neoplastic Syndromes, Hereditary; Hereditary Cancer Syndrome; Tumor predisposition; Hereditary neoplastic syndrome. Identifiers: Orphanet 140162, MedGen C0027672, MeSH D009386, MONDO:0015356.
Tuberous sclerosis 2 (TSC2). Identifiers: Orphanet 805, MedGen C1860707, MONDO:0013199, OMIM 613254.
Tuberous sclerosis syndrome (TSC). Also called: Tuberous Sclerosis Complex; Tuberous sclerosis. Identifiers: Orphanet 805, MedGen C0041341, MONDO:0001734.

Allele frequency attached by ClinVar (database versions not stated): gnomAD below 0.00001 and 0.00001; gnomAD exomes 0.00001.

Submissions (5):

Labcorp Genetics (formerly Invitae), Labcorp
Classification: Benign for Tuberous sclerosis 2. Last evaluated: 2025-10-06. Review status: criteria provided, single submitter. Criteria: Invitae Variant Classification Sherloc (09022015). Collection method: clinical testing. Allele origin: germline.

All of Us Research Program, National Institutes of Health
Classification: Uncertain significance for Tuberous sclerosis syndrome. Last evaluated: 2024-05-09. Review status: criteria provided, single submitter. Criteria: ACMG Guidelines, 2015. Collection method: clinical testing. Allele origin: germline. Inheritance: Autosomal dominant inheritance. Observed: 2 variant alleles, 2 heterozygotes.
Comment: This missense variant replaces valine with methionine at codon 461 of the TSC2 protein. Computational prediction is inconclusive regarding the impact of this variant on protein structure and function (internally defined REVEL score threshold 0.5 < inconclusive < 0.7, PMID: 27666373). To our knowledge, functional studies have not been reported for this variant. This variant has not been reported in individuals affected with tuberous sclerosis complex in the literature. This variant has been identified in 1/155922 chromosomes in the general population by the Genome Aggregation Database (gnomAD). The available evidence is insufficient to determine the role of this variant in disease conclusively. Therefore, this variant is classified as a Variant of Uncertain Significance.

This study involves interpretation of variants in research participants for the purpose of population health screening. Participant phenotype was not available at the time of variant classification. Additional details can be found in publication PMID: 35346344, PMCID: PMC8962531

Ambry Genetics
Classification: Uncertain significance for Hereditary cancer-predisposing syndrome. Last evaluated: 2023-08-01. Review status: criteria provided, single submitter. Criteria: Ambry Variant Classification Scheme 2023. Collection method: clinical testing. Allele origin: germline.
Comment: The p.V461M variant (also known as c.1381G>A), located in coding exon 13 of the TSC2 gene, results from a G to A substitution at nucleotide position 1381. The valine at codon 461 is replaced by methionine, an amino acid with highly similar properties. This amino acid position is not well conserved in available vertebrate species. In addition, the in silico prediction for this alteration is inconclusive. Since supporting evidence is limited at this time, the clinical significance of this alteration remains unclear.

Genome-Nilou Lab
Classification: Uncertain significance for Tuberous sclerosis 2. Last evaluated: 2021-11-07. Review status: criteria provided, single submitter. Criteria: ACMG Guidelines, 2015. Collection method: clinical testing. Allele origin: germline. Affected: no.

GeneDx
Classification: Uncertain significance. Last evaluated: 2013-10-04. Review status: criteria provided, single submitter. Criteria: GeneDx Variant Classification (06012015). Collection method: clinical testing. Allele origin: germline. Affected: yes.
Comment: p.Val461Met (GTG>ATG): c.1381 G>A in exon 14 of the TSC2 gene (NM_000548.3)The Val461Met missense change has not been published as a mutation, nor has it been reported as a benign polymorphism to our knowledge. It was not observed in approximately 5,700 individuals of European and African American ancestry in the NHLBI Exome Sequencing Project, indicating it is not a common benign variant in these populations. This variant is a conservative substitution of one uncharged, non-polar amino acid for another at a position that is not highly conserved across species. However, other missense mutations have been reported at nearby codons in association with tuberous sclerosis complex. In silico analysis is inconsistent with regard to the effect this variant may have on the protein structure/function. Therefore, based on the currently available information, it is unclear whether Val461Met is a disease-causing mutation or a rare benign variant.The variant is found in EPILEPSY panel(s).

NM_000548.5(TSC2):c.1381G>A (p.Val461Met)

Gene: TSC2 (TSC complex subunit 2; plus strand). Cytogenetic location: 16p13.3.
Variant type: single nucleotide variant.
Coding change: c.1381G>A on transcript NM_000548.5 (MANE Select); coding-DNA position 1381, G replaced by A.
Protein change: p.Val461Met; replaces valine 461 with methionine.
Molecular consequence: missense variant.
Genome position (GRCh38, 1-based): chr16:2,062,991, G>A. VCF-style: chr16-2062991-G-A. GRCh37 (hg19) VCF-style: chr16-2112992-G-A.
Other names: p.V461M:GTG>ATG; c.1381G>A, p.Val461Met (NM_001077183.3, NM_001114382.3, NM_001363528.2 and 3 more transcripts); c.1270G>A, p.Val424Met (NM_001318827.2); c.1234G>A, p.Val412Met (NM_001318829.2); c.781G>A, p.Val261Met (NM_001318831.2); c.1414G>A, p.Val472Met (NM_001318832.2); short protein forms V461M, V261M, V412M, V472M, V424M.
Identifiers: ClinVar variation 207715 (VCV000207715.15), dbSNP rs796053486, ClinGen allele CA319441.